The following is an entry in ClinVar:

ClinVar aggregate classification (germline): Uncertain significance (1 of 4 stars; one submission).

Conditions:
Hereditary breast ovarian cancer syndrome. Also called: Hereditary breast and ovarian cancer syndrome (HBOC); Breast and ovarian cancer; BRCA1- and BRCA2-Associated Hereditary Breast and Ovarian Cancer; Hereditary breast and ovarian cancer syndrome; Hereditary breast and ovarian cancer; Hereditary breast and/or ovarian cancer syndrome. Identifiers: Orphanet 145, MedGen C0677776, MeSH D061325, MONDO:0003582. Disease mechanism: loss of function.

Submission:

Labcorp Genetics (formerly Invitae), Labcorp
Classification: Uncertain significance for Hereditary breast ovarian cancer syndrome. Last evaluated: 2023-02-14. Review status: criteria provided, single submitter. Criteria: Invitae Variant Classification Sherloc (09022015). Collection method: clinical testing. Allele origin: germline.
Comment: In summary, the available evidence is currently insufficient to determine the role of this variant in disease. Therefore, it has been classified as a Variant of Uncertain Significance. Advanced modeling of protein sequence and biophysical properties (such as structural, functional, and spatial information, amino acid conservation, physicochemical variation, residue mobility, and thermodynamic stability) has been performed at Invitae for this missense variant, however the output from this modeling did not meet the statistical confidence thresholds required to predict the impact of this variant on BRCA1 protein function. This variant has not been reported in the literature in individuals affected with BRCA1-related conditions. This variant is not present in population databases (gnomAD no frequency). This sequence change replaces serine, which is neutral and polar, with cysteine, which is neutral and slightly polar, at codon 229 of the BRCA1 protein (p.Ser229Cys).

NM_007294.4(BRCA1):c.686C>G (p.Ser229Cys)

Gene: BRCA1 (BRCA1 DNA repair associated; minus strand). Cytogenetic location: 17q21.31.
Variant type: single nucleotide variant.
Coding change: c.686C>G on transcript NM_007294.4 (MANE Select); coding-DNA position 686, C replaced by G.
Protein change: p.Ser229Cys; replaces serine 229 with cysteine.
Molecular consequence: missense variant. On other transcripts: intron variant (13), 5 prime UTR variant (2).
Genome position (GRCh38, 1-based): chr17:43,094,845, G>C on the plus strand (C>G on the coding strand, the complement: BRCA1 is on the minus strand). VCF-style: chr17-43094845-G-C. GRCh37 (hg19) VCF-style: chr17-41246862-G-C.
Other names: c.683C>G, p.Ser228Cys (NM_001407634.1, NM_001407635.1, NM_001407636.1 and 38 more transcripts); c.686C>G, p.Ser229Cys (NM_001407639.1, NM_001407640.1, NM_001407641.1 and 54 more transcripts); c.677C>G, p.Ser226Cys (NM_001407646.1, NM_001407647.1, NM_001408408.1); c.545C>G, p.Ser182Cys (NM_001408454.1, NM_001408455.1, NM_001408456.1 and 43 more transcripts); c.542C>G, p.Ser181Cys (NM_001408462.1, NM_001408463.1, NM_001408464.1 and 26 more transcripts); c.485C>G, p.Ser162Cys (NM_001408474.1, NM_001408476.1, NM_001407862.1); c.482C>G, p.Ser161Cys (NM_001408475.1, NM_001407874.1, NM_001407875.1); c.476C>G, p.Ser159Cys (NM_001408478.1, NM_001408479.1, NM_001408480.1 and 25 more transcripts); and 20 more; short protein forms S117C, S141C, S159C, S182C, S184C, S202C, S203C, S140C.
Identifiers: ClinVar variation 2837242 (VCV002837242.3), dbSNP rs1597880556, ClinGen allele CA10600715.